The following is an entry in ClinVar:

NM_000069.3(CACNA1S):c.2126C>T (p.Pro709Leu)

Gene: CACNA1S (calcium voltage-gated channel subunit alpha1 S; minus strand). Cytogenetic location: 1q32.1.
Variant type: single nucleotide variant.
Coding change: c.2126C>T on transcript NM_000069.3 (MANE Select); coding-DNA position 2126, C replaced by T.
Protein change: p.Pro709Leu; replaces proline 709 with leucine.
Molecular consequence: missense variant.
Genome position (GRCh38, 1-based): chr1:201,073,580, G>A on the plus strand (C>T on the coding strand, the complement: CACNA1S is on the minus strand). VCF-style: chr1-201073580-G-A. GRCh37 (hg19) VCF-style: chr1-201042708-G-A.
Other names: short protein forms P709L.
Identifiers: ClinVar variation 3070386 (VCV003070386.1), dbSNP rs2464550457, ClinGen allele CA344113298.
Genomic context (GRCh38, chr1:201,073,580, plus strand): 5'-CCTCTAACATCCCCACCTGAGGTGCTCACCTTGGCAGTGGTGGGGATGCCCTCACCCTTG[G>A]GTTTCTGCTCCAGCTTCTTGGCCATCGTTGACTTCTCCTCTTCTGACTTGTCTGGGAGAC-3'
Protein context (NP_000060.2, residues 699-719): STMAKKLEQK[Pro709Leu]KGEGIPTTAK

ClinVar aggregate classification (germline): Uncertain significance (1 of 4 stars; one submission).

Conditions:
Malignant hyperthermia, susceptibility to, 5 (MHS5). Also called: CACNA1S-Related Malignant Hyperthermia Susceptibility. Identifiers: Orphanet 423, MedGen C1866077, MONDO:0011163, OMIM 601887.

Submission:

All of Us Research Program, National Institutes of Health
Classification: Uncertain significance for Malignant hyperthermia, susceptibility to, 5. Last evaluated: 2023-04-10. Review status: criteria provided, single submitter. Criteria: ACMG Guidelines, 2015. Collection method: clinical testing. Allele origin: germline. Inheritance: Autosomal dominant inheritance. Observed: 1 variant allele, 1 heterozygote.
Comment: This missense variant replaces proline with leucine at codon 709 of the CACNA1S protein. Computational prediction suggests that this variant may not impact protein structure and function (internally defined REVEL score threshold <= 0.5, PMID: 27666373). To our knowledge, functional studies have not been reported for this variant. This variant has not been reported in individuals affected with CACNA1S-related disorders in the literature. This variant has not been identified in the general population by the Genome Aggregation Database (gnomAD). The available evidence is insufficient to determine the role of this variant in disease conclusively. Therefore, this variant is classified as a Variant of Uncertain Significance.

This study involves interpretation of variants in research participants for the purpose of population health screening. Participant phenotype was not available at the time of variant classification. Additional details can be found in publication PMID: 35346344, PMCID: PMC8962531